The following is an entry in ClinVar:

ClinVar aggregate classification (germline): Uncertain significance (1 of 4 stars; one submission).

Conditions:
Hereditary cancer-predisposing syndrome. Also called: Tumor predisposition; Neoplastic Syndromes, Hereditary; Hereditary Cancer Syndrome; Hereditary neoplastic syndrome. Identifiers: Orphanet 140162, MedGen C0027672, MeSH D009386, MONDO:0015356.

gnomAD v4.1: 1 of 1,613,922 alleles (0.000062%); highest among the groups gnomAD compares: South Asian, 0.0011%; no homozygotes.

Submission:

Ambry Genetics
Classification: Uncertain significance for Hereditary cancer-predisposing syndrome. Last evaluated: 2024-09-26. Review status: criteria provided, single submitter. Criteria: Ambry Variant Classification Scheme 2023. Collection method: clinical testing. Allele origin: germline.
Comment: The p.L848F variant (also known as c.2542C>T), located in coding exon 11 of the BLM gene, results from a C to T substitution at nucleotide position 2542. The leucine at codon 848 is replaced by phenylalanine, an amino acid with highly similar properties. This amino acid position is conserved. In addition, this alteration is predicted to be tolerated by in silico analysis. Based on the available evidence, the clinical significance of this variant remains unclear.

NM_000057.4(BLM):c.2542C>T (p.Leu848Phe)

Gene: BLM (BLM RecQ like helicase; plus strand). Cytogenetic location: 15q26.1.
Variant type: single nucleotide variant.
Coding change: c.2542C>T on transcript NM_000057.4 (MANE Select); coding-DNA position 2542, C replaced by T.
Protein change: p.Leu848Phe; replaces leucine 848 with phenylalanine.
Molecular consequence: missense variant.
Genome position (GRCh38, 1-based): chr15:90,769,573, C>T. VCF-style: chr15-90769573-C-T. GRCh37 (hg19) VCF-style: chr15-91312803-C-T.
Other names: c.2542C>T, p.Leu848Phe (NM_001287246.2, NM_001287247.2); c.1417C>T, p.Leu473Phe (NM_001287248.2); short protein forms L473F, L848F.
Identifiers: ClinVar variation 3480863 (VCV003480863.1).